The following is an entry in ClinVar:

ClinVar aggregate classification (germline): Likely benign (1 of 4 stars; one submission).

gnomAD v4.1: 6 of 1,614,160 alleles (0.00037%); highest among the groups gnomAD compares: Admixed American, 0.01%; no homozygotes.

Submission:

CeGaT Center for Human Genetics Tuebingen
Classification: Likely benign. Last evaluated: 2026-08-01. Review status: criteria provided, single submitter. Criteria: CeGaT Center For Human Genetics Tuebingen Variant Classification Criteria Version 2. Collection method: clinical testing. Allele origin: germline. Affected: yes. Observed: 1 variant allele.
Comment: ITPR3: BP4

NM_002224.4(ITPR3):c.7795C>T (p.Leu2599=)

Genes: ITPR3 (inositol 1,4,5-trisphosphate receptor type 3; plus strand), LOC126859658 (CDK7 strongly-dependent group 2 enhancer GRCh37_chr6:33662237-33663436; plus strand). Cytogenetic location: 6p21.31.
Variant type: single nucleotide variant.
Coding change: c.7795C>T on transcript NM_002224.4 (MANE Select); coding-DNA position 7795, C replaced by T.
Protein change: p.Leu2599=; no amino-acid change (leucine 2599 retained).
Molecular consequence: synonymous variant.
Genome position (GRCh38, 1-based): chr6:33,694,933, C>T. VCF-style: chr6-33694933-C-T. GRCh37 (hg19) VCF-style: chr6-33662710-C-T.
Identifiers: ClinVar variation 5040690 (VCV005040690.1).